The following is an entry in ClinVar:

ClinVar aggregate classification (germline): Uncertain significance (1 of 4 stars; one submission).

Allele frequency attached by ClinVar (database versions not stated): gnomAD exomes 0.00001.

Submission:

GeneDx
Classification: Uncertain significance. Last evaluated: 2016-12-07. Review status: criteria provided, single submitter. Criteria: GeneDx Variant Classification (06012015). Collection method: clinical testing. Allele origin: germline. Affected: yes.
Comment: The R396H variant in the ACSL4 gene has not been reported previously as a pathogenic variant, nor as a benign variant, to our knowledge. The R396H variant was not observed in approximately 6,500 individuals of European and African American ancestry in the NHLBI Exome Sequencing Project, indicating it is not a common benign variant in these populations. The R396H variant is a conservative amino acid substitution, which is not likely to impact secondary protein structure as these residues share similar properties. This substitution occurs at a position where amino acids with similar properties to Arginine are tolerated across species. In silico analysis predicts this variant is probably damaging to the protein structure/function. We interpret R396H as a variant of uncertain significance.

NM_001318510.2(ACSL4):c.1187G>A (p.Arg396His)

Gene: ACSL4 (acyl-CoA synthetase long chain family member 4; minus strand). Cytogenetic location: Xq23.
Variant type: single nucleotide variant.
Coding change: c.1187G>A on transcript NM_001318510.2 (MANE Select); coding-DNA position 1187, G replaced by A.
Protein change: p.Arg396His; replaces arginine 396 with histidine.
Molecular consequence: missense variant.
Genome position (GRCh38, 1-based): chrX:109,668,229, C>T on the plus strand (G>A on the coding strand, the complement: ACSL4 is on the minus strand). VCF-style: chrX-109668229-C-T. GRCh37 (hg19) VCF-style: chrX-108911458-C-T.
Other names: c.1310G>A, p.Arg437His (NM_001318509.2, NM_022977.3); c.1187G>A, p.Arg396His (NM_004458.3); short protein forms R396H, R437H.
Identifiers: ClinVar variation 373378 (VCV000373378.1), dbSNP rs1057518383, ClinGen allele CA16043202.